The following is an entry in ClinVar:

ClinVar aggregate classification (germline): Uncertain significance (1 of 4 stars; one submission).

Conditions:
Hypertrophic cardiomyopathy 1 (CMH1). Also called: MYH7-Related Familial Hypertrophic Cardiomyopathy; Familial hypertrophic cardiomyopathy 1. Identifiers: MedGen C3495498, MONDO:0008647, OMIM 192600.

gnomAD v4.1: 71 of 1,614,076 alleles (0.0044%); highest among the groups gnomAD compares: Non-Finnish European, 0.0059%; no homozygotes.

Submissions (2):

Labcorp Genetics (formerly Invitae), Labcorp
Classification: Uncertain significance for Hypertrophic cardiomyopathy 1. Last evaluated: 2025-09-07. Review status: criteria provided, single submitter. Criteria: Invitae Variant Classification Sherloc (09022015). Collection method: clinical testing. Allele origin: germline.
Comment: This sequence change replaces tryptophan, which is neutral and slightly polar, with arginine, which is basic and polar, at codon 499 of the MYLK2 protein (p.Trp499Arg). This variant is present in population databases (no rsID available, gnomAD 0.003%). This variant has not been reported in the literature in individuals affected with MYLK2-related conditions. ClinVar contains an entry for this variant (Variation ID: 963329). Invitae Evidence Modeling of protein sequence and biophysical properties (such as structural, functional, and spatial information, amino acid conservation, physicochemical variation, residue mobility, and thermodynamic stability) indicates that this missense variant is expected to disrupt MYLK2 protein function with a positive predictive value of 80%. Algorithms developed to predict the effect of sequence changes on RNA splicing suggest that this variant may disrupt the consensus splice site. In summary, the available evidence is currently insufficient to determine the role of this variant in disease. Therefore, it has been classified as a Variant of Uncertain Significance.

Dr. Peter K. Rogan Lab, Western University
No classification provided (evidence only). Condition: Gastric cancer. Review status: no classification provided. Collection method: in vitro. Allele origin: not applicable. Functional consequence: retained intron. Not counted in ClinVar's aggregate classification.

NM_033118.4(MYLK2):c.1495T>A (p.Trp499Arg)

Gene: MYLK2 (myosin light chain kinase 2; plus strand). Cytogenetic location: 20q11.21.
Variant type: single nucleotide variant.
Coding change: c.1495T>A on transcript NM_033118.4 (MANE Select); coding-DNA position 1495, T replaced by A.
Protein change: p.Trp499Arg; replaces tryptophan 499 with arginine.
Molecular consequence: missense variant.
Genome position (GRCh38, 1-based): chr20:31,831,773, T>A. VCF-style: chr20-31831773-T-A. GRCh37 (hg19) VCF-style: chr20-30419576-T-A.
Other names: short protein forms W499R.
Identifiers: ClinVar variation 963329 (VCV000963329.10), dbSNP rs1279963761, ClinGen allele CA408528018.